The following is an entry in ClinVar:

ClinVar aggregate classification (germline): Uncertain significance (1 of 4 stars; one submission).

Submission:

Labcorp Genetics (formerly Invitae), Labcorp
Classification: Uncertain significance. Last evaluated: 2021-07-22. Review status: criteria provided, single submitter. Criteria: Invitae Variant Classification Sherloc (09022015). Collection method: clinical testing. Allele origin: germline.
Comment: In summary, the available evidence is currently insufficient to determine the role of this variant in disease. Therefore, it has been classified as a Variant of Uncertain Significance. Algorithms developed to predict the effect of missense changes on protein structure and function (SIFT, PolyPhen-2, Align-GVGD) all suggest that this variant is likely to be disruptive. This variant has been observed in individual(s) with clinical features of cone-rod dystrophy (Invitae). This variant is not present in population databases (ExAC no frequency). This sequence change replaces arginine with glycine at codon 317 of the RIMS1 protein (p.Arg317Gly). The arginine residue is highly conserved and there is a moderate physicochemical difference between arginine and glycine.

NM_014989.7(RIMS1):c.949C>G (p.Arg317Gly)

Gene: RIMS1 (regulating synaptic membrane exocytosis 1; plus strand). Cytogenetic location: 6q13.
Variant type: single nucleotide variant.
Coding change: c.949C>G on transcript NM_014989.7 (MANE Select); coding-DNA position 949, C replaced by G.
Protein change: p.Arg317Gly; replaces arginine 317 with glycine.
Molecular consequence: missense variant.
Genome position (GRCh38, 1-based): chr6:72,182,420, C>G. VCF-style: chr6-72182420-C-G. GRCh37 (hg19) VCF-style: chr6-72892123-C-G.
Other names: short protein forms R317G.
Identifiers: ClinVar variation 1482051 (VCV001482051.8), dbSNP rs2153970191, ClinGen allele CA364819835.